The following is an entry in ClinVar:

NM_004586.3(RPS6KA3):c.1952C>T (p.Thr651Ile)

Gene: RPS6KA3 (ribosomal protein S6 kinase A3; minus strand). Cytogenetic location: Xp22.12.
Variant type: single nucleotide variant.
Coding change: c.1952C>T on transcript NM_004586.3 (MANE Select); coding-DNA position 1952, C replaced by T.
Protein change: p.Thr651Ile; replaces threonine 651 with isoleucine.
Molecular consequence: missense variant.
Genome position (GRCh38, 1-based): chrX:20,161,651, G>A on the plus strand (C>T on the coding strand, the complement: RPS6KA3 is on the minus strand). VCF-style: chrX-20161651-G-A. GRCh37 (hg19) VCF-style: chrX-20179769-G-A.
Other names: c.1952C>T (NM_004586.2); short protein forms T651I.
Identifiers: ClinVar variation 2929448 (VCV002929448.5), dbSNP rs2067306564, ClinGen allele CA412513439.

ClinVar aggregate classification (germline): Uncertain significance. Review status: criteria provided, multiple submitters, no conflicts (2 of 4 stars). 3 submissions from 3 submitters: Uncertain significance (3). Last evaluated 2026-08-17.

Conditions:
Intellectual developmental disorder, X-linked 19. Also called: Intellectual disability, X-linked 19. Identifiers: Orphanet 777, MedGen C0796225, MONDO:0010447, OMIM 300844.
Coffin-Lowry syndrome (CLS). Also called: COFFIN-LOWRY SYNDROME, MILD; Mental retardation with osteocartilaginous abnormalities. Identifiers: Orphanet 192, MedGen C0265252, MONDO:0010561, OMIM 303600.
Inborn genetic diseases. Identifiers: MedGen C0950123, MeSH D030342.

Allele frequency attached by ClinVar (database versions not stated): gnomAD exomes below 0.00001; TOPMed below 0.00001; gnomAD 0.00001.
gnomAD v4.1: 2 of 1,095,599 alleles (0.00018%); highest among the groups gnomAD compares: Admixed American, 0.0022%; no homozygotes.

Submissions (3):

Ambry Genetics
Classification: Uncertain significance for Inborn genetic diseases. Last evaluated: 2026-08-17. Review status: criteria provided, single submitter. Criteria: Ambry Variant Classification Scheme 2023. Collection method: clinical testing. Allele origin: germline.

GeneDx
Classification: Uncertain significance. Last evaluated: 2024-11-14. Review status: criteria provided, single submitter. Criteria: GeneDx Variant Classification Process June 2021. Collection method: clinical testing. Allele origin: germline. Affected: yes.
Comment: Not observed at significant frequency in large population cohorts (gnomAD); In silico analysis indicates that this missense variant does not alter protein structure/function; Has not been previously published as pathogenic or benign to our knowledge

Labcorp Genetics (formerly Invitae), Labcorp
Classification: Uncertain significance for Coffin-Lowry syndrome; Intellectual developmental disorder, X-linked 19. Last evaluated: 2023-11-27. Review status: criteria provided, single submitter. Criteria: Invitae Variant Classification Sherloc (09022015). Collection method: clinical testing. Allele origin: germline.
Comment: This sequence change replaces threonine, which is neutral and polar, with isoleucine, which is neutral and non-polar, at codon 651 of the RPS6KA3 protein (p.Thr651Ile). This variant is not present in population databases (gnomAD no frequency). This variant has not been reported in the literature in individuals affected with RPS6KA3-related conditions. Advanced modeling of protein sequence and biophysical properties (such as structural, functional, and spatial information, amino acid conservation, physicochemical variation, residue mobility, and thermodynamic stability) performed at Invitae indicates that this missense variant is not expected to disrupt RPS6KA3 protein function with a negative predictive value of 95%. In summary, the available evidence is currently insufficient to determine the role of this variant in disease. Therefore, it has been classified as a Variant of Uncertain Significance.